The following is an entry in ClinVar:

ClinVar aggregate classification (germline): Uncertain significance (1 of 4 stars; one submission).

Submission:

GeneDx
Classification: Uncertain significance. Last evaluated: 2024-05-23. Review status: criteria provided, single submitter. Criteria: GeneDx Variant Classification Process June 2021. Collection method: clinical testing. Allele origin: germline. Affected: yes.
Comment: Not observed in large population cohorts (gnomAD); Frameshift variant predicted to result in protein truncation or nonsense mediated decay in a gene for which loss-of-function is not a known mechanism of disease; Has not been previously published as pathogenic or benign to our knowledge

NM_001394062.1(MACF1):c.2868del (p.Tyr957fs)

Gene: MACF1 (microtubule actin crosslinking factor 1; plus strand). Cytogenetic location: 1p34.3.
Variant type: Deletion.
Coding change: c.2868del on transcript NM_001394062.1 (MANE Select); coding-DNA position 2868, one base deleted (C; older notation c.2868delC).
Protein change: p.Tyr957fs; shifts the reading frame from tyrosine 957.
Molecular consequence: frameshift variant.
Genome position (GRCh38, 1-based): chr1:39,309,648, C deleted. VCF-style (leftmost placement, unchanged base first): chr1-39309647-AC-A. GRCh37 (hg19) VCF-style: chr1-39775319-AC-A.
Other names: c.2883del, p.Tyr962fs (NM_012090.5); short protein forms Y957fs, Y962fs.
Identifiers: ClinVar variation 3381393 (VCV003381393.1).